The following is an entry in ClinVar:

NM_001161352.2(KCNMA1):c.1072G>A (p.Val358Ile)

Gene: KCNMA1 (potassium calcium-activated channel subfamily M alpha 1; minus strand). Cytogenetic location: 10q22.3.
Variant type: single nucleotide variant.
Coding change: c.1072G>A on transcript NM_001161352.2 (MANE Select); coding-DNA position 1072, G replaced by A.
Protein change: p.Val358Ile; replaces valine 358 with isoleucine.
Molecular consequence: missense variant.
Genome position (GRCh38, 1-based): chr10:77,110,232, C>T on the plus strand (G>A on the coding strand, the complement: KCNMA1 is on the minus strand). VCF-style: chr10-77110232-C-T. GRCh37 (hg19) VCF-style: chr10-78869990-C-T.
Other names: c.1072G>A, p.Val358Ile (NM_001014797.3, NM_001161353.2, NM_001271519.2 and 9 more transcripts); c.910G>A, p.Val304Ile (NM_001271518.2); c.532G>A, p.Val178Ile (NM_001322838.2); c.1204G>A, p.Val402Ile (NM_001437422.1); short protein forms V178I, V304I, V358I, V402I.
Identifiers: ClinVar variation 4809649 (VCV004809649.1).

ClinVar aggregate classification (germline): Uncertain significance (1 of 4 stars; one submission).

Conditions:
Generalized epilepsy-paroxysmal dyskinesia syndrome (PNKD3). Also called: Generalized epilepsy and paroxysmal dyskinesia; Paroxysmal nonkinesigenic dyskinesia, 3, with or without generalized epilepsy. Identifiers: Orphanet 79137, MedGen C5574945, MONDO:0012276, OMIM 609446.

Submission:

Labcorp Genetics (formerly Invitae), Labcorp
Classification: Uncertain significance for Generalized epilepsy-paroxysmal dyskinesia syndrome. Last evaluated: 2025-05-27. Review status: criteria provided, single submitter. Criteria: Invitae Variant Classification Sherloc (09022015). Collection method: clinical testing. Allele origin: germline.
Comment: This sequence change replaces valine, which is neutral and non-polar, with isoleucine, which is neutral and non-polar, at codon 358 of the KCNMA1 protein (p.Val358Ile). This variant is not present in population databases (gnomAD no frequency). This variant has not been reported in the literature in individuals affected with KCNMA1-related conditions. Invitae Evidence Modeling of protein sequence and biophysical properties (such as structural, functional, and spatial information, amino acid conservation, physicochemical variation, residue mobility, and thermodynamic stability) indicates that this missense variant is not expected to disrupt KCNMA1 protein function with a negative predictive value of 80%. In summary, the available evidence is currently insufficient to determine the role of this variant in disease. Therefore, it has been classified as a Variant of Uncertain Significance.